The following is an entry in ClinVar:

ClinVar aggregate classification (germline): Uncertain significance (1 of 4 stars; one submission).

Conditions:
Cardiomyopathy (CMYO). Also called: Cardiomyopathies. Identifiers: Orphanet 167848, MedGen C0878544, MONDO:0004994, HP:0001638. Inheritance: Various modes of inheritance.

Submission:

Color Diagnostics, LLC DBA Color Health
Classification: Uncertain significance for Cardiomyopathy. Last evaluated: 2025-09-13. Review status: criteria provided, single submitter. Criteria: ACMG Guidelines, 2015. Collection method: clinical testing. Allele origin: germline.
Comment: This missense variant replaces alanine with serine at codon 1099 of the MYH7 protein. Computational prediction suggests that this variant may not impact protein structure and function. To our knowledge, functional studies have not been reported for this variant. This variant has not been reported in individuals affected with MYH7-related disorders in the literature. This variant has not been identified in the general population by the Genome Aggregation Database (gnomAD). The available evidence is insufficient to determine the role of this variant in disease conclusively. Therefore, this variant is classified as a Variant of Uncertain Significance.

NM_000257.4(MYH7):c.3295G>T (p.Ala1099Ser)

Gene: MYH7 (myosin heavy chain 7; minus strand). Cytogenetic location: 14q11.2.
Variant type: single nucleotide variant.
Coding change: c.3295G>T on transcript NM_000257.4 (MANE Select); coding-DNA position 3295, G replaced by T.
Protein change: p.Ala1099Ser; replaces alanine 1099 with serine.
Molecular consequence: missense variant.
Genome position (GRCh38, 1-based): chr14:23,420,999, C>A on the plus strand (G>T on the coding strand, the complement: MYH7 is on the minus strand). VCF-style: chr14-23420999-C-A. GRCh37 (hg19) VCF-style: chr14-23890208-C-A.
Other names: c.3295G>T, p.Ala1099Ser (NM_001407004.1); short protein forms A1099S.
Identifiers: ClinVar variation 4756414 (VCV004756414.1).
Genomic context (GRCh38, chr14:23,420,999, plus strand): 5'-GTGGGTGTCCAGACCTCACCTGAAGCTCCTTGAGCTTCTTCTGCAGCTGGCTGCCGAGGG[C>A]CTGTTCATCCTCAATCCTTGCGTTGAGAGCATTCAGCTCAAAGTCTTTTCTGTGGGGAAG-3'
Protein context (NP_000248.2, residues 1089-1109): ALNARIEDEQ[Ala1099Ser]LGSQLQKKLK